The following is an entry in ClinVar:

NM_003640.5(ELP1):c.2119C>G (p.Leu707Val)

Gene: ELP1 (elongator acetyltransferase complex subunit 1; minus strand). Cytogenetic location: 9q31.3.
Variant type: single nucleotide variant.
Coding change: c.2119C>G on transcript NM_003640.5 (MANE Select); coding-DNA position 2119, C replaced by G.
Protein change: p.Leu707Val; replaces leucine 707 with valine.
Molecular consequence: missense variant.
Genome position (GRCh38, 1-based): chr9:108,900,271, G>C on the plus strand (C>G on the coding strand, the complement: ELP1 is on the minus strand). VCF-style: chr9-108900271-G-C. GRCh37 (hg19) VCF-style: chr9-111662551-G-C.
Other names: c.1777C>G, p.Leu593Val (NM_001318360.2); c.1072C>G, p.Leu358Val (NM_001330749.2); short protein forms L358V, L593V, L707V.
Identifiers: ClinVar variation 1471622 (VCV001471622.5), dbSNP rs769927115, ClinGen allele CA374423338.

ClinVar aggregate classification (germline): Uncertain significance (1 of 4 stars; one submission).

Allele frequency attached by ClinVar (database versions not stated): TOPMed 0.00001.
gnomAD v4.1: 6 of 1,612,682 alleles (0.00037%); highest among the groups gnomAD compares: Non-Finnish European, 0.00051%; no homozygotes.

Submission:

Labcorp Genetics (formerly Invitae), Labcorp
Classification: Uncertain significance. Last evaluated: 2021-09-17. Review status: criteria provided, single submitter. Criteria: Invitae Variant Classification Sherloc (09022015). Collection method: clinical testing. Allele origin: germline.
Comment: This sequence change replaces leucine with valine at codon 707 of the IKBKAP protein (p.Leu707Val). The leucine residue is moderately conserved and there is a small physicochemical difference between leucine and valine. This variant is not present in population databases (ExAC no frequency). This variant has not been reported in the literature in individuals with IKBKAP-related disease. Algorithms developed to predict the effect of missense changes on protein structure and function (SIFT, PolyPhen-2, Align-GVGD) all suggest that this variant is likely to be tolerated, but these predictions have not been confirmed by published functional studies and their clinical significance is uncertain. In summary, the available evidence is currently insufficient to determine the role of this variant in disease. Therefore, it has been classified as a Variant of Uncertain Significance.